The following is an entry in ClinVar:

ClinVar aggregate classification (germline): Uncertain significance (1 of 4 stars; one submission).

Conditions:
Gorlin syndrome. Also called: Basal cell nevus syndrome; Nevoid Basal Cell Carcinoma Syndrome. Identifiers: Orphanet 377, MedGen C0004779, MONDO:0007187.

Submission:

Labcorp Genetics (formerly Invitae), Labcorp
Classification: Uncertain significance for Gorlin syndrome. Last evaluated: 2022-02-09. Review status: criteria provided, single submitter. Criteria: Invitae Variant Classification Sherloc (09022015). Collection method: clinical testing. Allele origin: germline.
Comment: Advanced modeling of protein sequence and biophysical properties (such as structural, functional, and spatial information, amino acid conservation, physicochemical variation, residue mobility, and thermodynamic stability) performed at Invitae indicates that this missense variant is not expected to disrupt PTCH1 protein function. This sequence change replaces cysteine, which is neutral and slightly polar, with phenylalanine, which is neutral and non-polar, at codon 1365 of the PTCH1 protein (p.Cys1365Phe). This variant is not present in population databases (gnomAD no frequency). This variant has not been reported in the literature in individuals affected with PTCH1-related conditions. In summary, the available evidence is currently insufficient to determine the role of this variant in disease. Therefore, it has been classified as a Variant of Uncertain Significance.

NM_000264.5(PTCH1):c.4094G>T (p.Cys1365Phe)

Gene: PTCH1 (patched 1; minus strand). Cytogenetic location: 9q22.32.
Variant type: single nucleotide variant.
Coding change: c.4094G>T on transcript NM_000264.5 (MANE Select); coding-DNA position 4094, G replaced by T.
Protein change: p.Cys1365Phe; replaces cysteine 1365 with phenylalanine.
Molecular consequence: missense variant. On other transcripts: non-coding transcript variant (1).
Genome position (GRCh38, 1-based): chr9:95,447,162, C>A on the plus strand (G>T on the coding strand, the complement: PTCH1 is on the minus strand). VCF-style: chr9-95447162-C-A. GRCh37 (hg19) VCF-style: chr9-98209444-C-A.
Other names: c.3896G>T, p.Cys1299Phe (NM_001083602.3); c.4091G>T, p.Cys1364Phe (NM_001083603.3); c.3641G>T, p.Cys1214Phe (NM_001083604.3, NM_001083605.3, NM_001083606.3 and 1 more transcripts); c.3938G>T, p.Cys1313Phe (NM_001354918.2); short protein forms C1365F, C1364F, C1299F, C1313F, C1214F.
Identifiers: ClinVar variation 1380052 (VCV001380052.6), dbSNP rs1397510746, ClinGen allele CA374110331.